The following is an entry in ClinVar:

NM_080680.3(COL11A2):c.1380G>A (p.Gly460=)

Gene: COL11A2 (collagen type XI alpha 2 chain; minus strand). Cytogenetic location: 6p21.32.
Variant type: single nucleotide variant.
Coding change: c.1380G>A on transcript NM_080680.3 (MANE Select); coding-DNA position 1380, G replaced by A.
Protein change: p.Gly460=; no amino-acid change (glycine 460 retained).
Molecular consequence: synonymous variant.
Genome position (GRCh38, 1-based): chr6:33,179,785, C>T on the plus strand (G>A on the coding strand, the complement: COL11A2 is on the minus strand). VCF-style: chr6-33179785-C-T. GRCh37 (hg19) VCF-style: chr6-33147562-C-T.
Other names: c.1059G>A, p.Gly353= (NM_080679.3); c.1122G>A, p.Gly374= (NM_080681.3).
Identifiers: ClinVar variation 500845 (VCV000500845.9), dbSNP rs373168555, ClinGen allele CA3751369.

ClinVar aggregate classification (germline): Conflicting classifications of pathogenicity. Review status: criteria provided, conflicting classifications (1 of 4 stars). 3 submissions from 3 submitters: Uncertain significance (2); Likely benign (1). Last evaluated 2026-01-05.

Allele frequency attached by ClinVar (database versions not stated): gnomAD exomes below 0.00001 and 0.00002; TOPMed 0.00001; ExAC 0.00002.
gnomAD v4.1: 10 of 1,611,688 alleles (0.00062%); highest among the groups gnomAD compares: East Asian, 0.0045%; no homozygotes.

Submissions (3):

Labcorp Genetics (formerly Invitae), Labcorp
Classification: Likely benign. Last evaluated: 2026-01-05. Review status: criteria provided, single submitter. Criteria: Invitae Variant Classification Sherloc (09022015). Collection method: clinical testing. Allele origin: germline.

GeneDx
Classification: Uncertain significance. Last evaluated: 2022-06-20. Review status: criteria provided, single submitter. Criteria: GeneDx Variant Classification Process June 2021. Collection method: clinical testing. Allele origin: germline. Affected: yes.
Comment: In silico analysis, which includes splice predictors and evolutionary conservation, suggests this variant may impact gene splicing. In the absence of RNA/functional studies, the actual effect of this sequence change is unknown.; Has not been previously published as pathogenic or benign to our knowledge

Eurofins Ntd Llc (ga)
Classification: Uncertain significance. Last evaluated: 2017-03-30. Review status: criteria provided, single submitter. Criteria: EGL Classification Definitions 2015. Collection method: clinical testing. Allele origin: germline. Observed: 1 variant allele, 1 heterozygote.